The following is an entry in ClinVar:

ClinVar aggregate classification (germline): Likely benign (1 of 4 stars; one submission).

Submission:

GeneDx
Classification: Likely benign. Last evaluated: 2016-10-10. Review status: criteria provided, single submitter. Criteria: GeneDx Variant Classification (06012015). Collection method: clinical testing. Allele origin: germline. Affected: yes.
Comment: This variant is considered likely benign or benign based on one or more of the following criteria: it is a conservative change, it occurs at a poorly conserved position in the protein, it is predicted to be benign by multiple in silico algorithms, and/or has population frequency not consistent with disease.

NM_001005242.3(PKP2):c.978A>T (p.Ala326=)

Gene: PKP2 (plakophilin 2; minus strand). Cytogenetic location: 12p11.21.
Variant type: single nucleotide variant.
Coding change: c.978A>T on transcript NM_001005242.3 (MANE Select); coding-DNA position 978, A replaced by T.
Protein change: p.Ala326=; no amino-acid change (alanine 326 retained).
Molecular consequence: synonymous variant.
Genome position (GRCh38, 1-based): chr12:32,877,902, T>A on the plus strand (A>T on the coding strand, the complement: PKP2 is on the minus strand). VCF-style: chr12-32877902-T-A. GRCh37 (hg19) VCF-style: chr12-33030836-T-A.
Other names: c.978A>T, p.Ala326= (NM_004572.4).
Identifiers: ClinVar variation 389816 (VCV000389816.1), dbSNP rs775137004, ClinGen allele CA16606602.